The following is an entry in ClinVar:

ClinVar aggregate classification (germline): Conflicting classifications of pathogenicity. Review status: criteria provided, conflicting classifications (1 of 4 stars). 5 submissions from 5 submitters: Uncertain significance (1); Benign (1); Likely benign (3). Last evaluated 2026-08-01.

Conditions:
Exercise-induced hyperinsulinism (HHF7). Identifiers: Orphanet 165991, MedGen C1864902, MONDO:0012396, OMIM 610021.

Allele frequency attached by ClinVar (database versions not stated): gnomAD 0.00031 and 0.00038; TOPMed 0.00032; gnomAD exomes 0.00039; ExAC 0.00044; ESP Exome Variant Server 0.00046.

Submissions (5):

CeGaT Center for Human Genetics Tuebingen
Classification: Likely benign. Last evaluated: 2026-08-01. Review status: criteria provided, single submitter. Criteria: CeGaT Center For Human Genetics Tuebingen Variant Classification Criteria Version 2. Collection method: clinical testing. Allele origin: germline. Affected: yes. Observed: 5 variant alleles.
Comment: SLC16A1: BP4, BP7

Labcorp Genetics (formerly Invitae), Labcorp
Classification: Benign. Last evaluated: 2026-01-21. Review status: criteria provided, single submitter. Criteria: Invitae Variant Classification Sherloc (09022015). Collection method: clinical testing. Allele origin: germline.

Blueprint Genetics
Classification: Likely benign. Last evaluated: 2024-05-29. Review status: criteria provided, single submitter. Criteria: ACMG Guidelines, 2015. Collection method: clinical testing. Allele origin: germline.

Illumina Laboratory Services, Illumina
Classification: Uncertain significance for Exercise-induced hyperinsulinism. Last evaluated: 2018-01-13. Review status: criteria provided, single submitter. Criteria: ICSL Variant Classification Criteria 13 December 2019. Collection method: clinical testing. Allele origin: germline.

PreventionGenetics, part of Exact Sciences
Classification: Likely benign. Review status: criteria provided, single submitter. Criteria: ACMG Guidelines, 2015. Collection method: clinical testing. Allele origin: germline.

NM_003051.4(SLC16A1):c.441C>T (p.Asn147=)

Gene: SLC16A1 (solute carrier family 16 member 1; minus strand). Cytogenetic location: 1p13.2.
Variant type: single nucleotide variant.
Coding change: c.441C>T on transcript NM_003051.4 (MANE Select); coding-DNA position 441, C replaced by T.
Protein change: p.Asn147=; no amino-acid change (asparagine 147 retained).
Molecular consequence: synonymous variant.
Genome position (GRCh38, 1-based): chr1:112,917,965, G>A on the plus strand (C>T on the coding strand, the complement: SLC16A1 is on the minus strand). VCF-style: chr1-112917965-G-A. GRCh37 (hg19) VCF-style: chr1-113460587-G-A.
Other names: c.441C>T, p.Asn147= (NM_001166496.2).
Identifiers: ClinVar variation 258903 (VCV000258903.55), dbSNP rs150246870, ClinGen allele CA1011421.